The following is an entry in ClinVar:

NM_001305581.2(LRMDA):c.258+4T>C

Genes: LRMDA (leucine rich melanocyte differentiation associated; plus strand), LOC110121427 (VISTA enhancer hs1679; plus strand). Cytogenetic location: 10q22.3.
Variant type: single nucleotide variant.
Coding change: c.258+4T>C on transcript NM_001305581.2 (MANE Select); 4 bases into the intron after coding-DNA position 258, T replaced by C.
Molecular consequence: intron variant.
Genome position (GRCh38, 1-based): chr10:76,036,138, T>C. VCF-style: chr10-76036138-T-C. GRCh37 (hg19) VCF-style: chr10-77795896-T-C.
Other names: c.174+4T>C (NM_032024.5).
Identifiers: ClinVar variation 2428395 (VCV002428395.3), dbSNP rs1564635585, ClinGen allele CA594574744.

ClinVar aggregate classification (germline): Uncertain significance (1 of 4 stars; one submission).

Allele frequency attached by ClinVar (database versions not stated): gnomAD exomes 0.00001; TOPMed 0.00001.
gnomAD v4.1: 4 of 1,612,382 alleles (0.00025%); highest among the groups gnomAD compares: Admixed American, 0.0067%; no homozygotes.

Submission:

Labcorp Genetics (formerly Invitae), Labcorp
Classification: Uncertain significance. Last evaluated: 2022-03-18. Review status: criteria provided, single submitter. Criteria: Invitae Variant Classification Sherloc (09022015). Collection method: clinical testing. Allele origin: germline.
Comment: This sequence change falls in intron 2 of the C10orf11 gene. It does not directly change the encoded amino acid sequence of the C10orf11 protein. It affects a nucleotide within the consensus splice site. This variant is present in population databases (no rsID available, gnomAD 0.006%). This variant has not been reported in the literature in individuals affected with C10orf11-related conditions. Variants that disrupt the consensus splice site are a relatively common cause of aberrant splicing (PMID: 17576681, 9536098). Algorithms developed to predict the effect of sequence changes on RNA splicing suggest that this variant may disrupt the consensus splice site. In summary, the available evidence is currently insufficient to determine the role of this variant in disease. Therefore, it has been classified as a Variant of Uncertain Significance.

Literature cited by the submitters: PubMed 17576681; PubMed 9536098.